The following is an entry in ClinVar:

ClinVar aggregate classification (germline): Uncertain significance (1 of 4 stars; one submission).

Conditions:
Long QT syndrome (LQTS). Identifiers: MedGen C0023976, MeSH D008133, MONDO:0002442. Disease mechanism: loss of function. Inheritance: Various modes of inheritance.

gnomAD v4.1: 3 of 1,597,634 alleles (0.00019%); highest among the groups gnomAD compares: Non-Finnish European, 0.00026%; no homozygotes.

Submission:

Labcorp Genetics (formerly Invitae), Labcorp
Classification: Uncertain significance for Long QT syndrome. Last evaluated: 2024-05-13. Review status: criteria provided, single submitter. Criteria: Invitae Variant Classification Sherloc (09022015). Collection method: clinical testing. Allele origin: germline.
Comment: This sequence change replaces serine, which is neutral and polar, with tryptophan, which is neutral and slightly polar, at codon 1107 of the KCNH2 protein (p.Ser1107Trp). This variant is not present in population databases (gnomAD no frequency). This variant has not been reported in the literature in individuals affected with KCNH2-related conditions. An algorithm developed to predict the effect of missense changes on protein structure and function (PolyPhen-2) suggests that this variant is likely to be disruptive. In summary, the available evidence is currently insufficient to determine the role of this variant in disease. Therefore, it has been classified as a Variant of Uncertain Significance.

NM_000238.4(KCNH2):c.3320C>G (p.Ser1107Trp)

Gene: KCNH2 (potassium voltage-gated channel subfamily H member 2; minus strand). Cytogenetic location: 7q36.1.
Variant type: single nucleotide variant.
Coding change: c.3320C>G on transcript NM_000238.4 (MANE Select); coding-DNA position 3320, C replaced by G.
Protein change: p.Ser1107Trp; replaces serine 1107 with tryptophan.
Molecular consequence: missense variant. On other transcripts: non-coding transcript variant (2).
Genome position (GRCh38, 1-based): chr7:150,946,887, G>C on the plus strand (C>G on the coding strand, the complement: KCNH2 is on the minus strand). VCF-style: chr7-150946887-G-C. GRCh37 (hg19) VCF-style: chr7-150643975-G-C.
Other names: c.3032C>G, p.Ser1011Trp (NM_001406753.1); c.2300C>G, p.Ser767Trp (NM_172057.3); short protein forms S1011W, S767W, S1107W.
Identifiers: ClinVar variation 3672915 (VCV003672915.2).